The following is an entry in ClinVar:

NM_001371596.2(MFSD8):c.1231A>G (p.Thr411Ala)

Gene: MFSD8 (major facilitator superfamily domain containing 8; minus strand). Cytogenetic location: 4q28.2.
Variant type: single nucleotide variant.
Coding change: c.1231A>G on transcript NM_001371596.2 (MANE Select); coding-DNA position 1231, A replaced by G.
Protein change: p.Thr411Ala; replaces threonine 411 with alanine.
Molecular consequence: missense variant.
Genome position (GRCh38, 1-based): chr4:127,921,643, T>C on the plus strand (A>G on the coding strand, the complement: MFSD8 is on the minus strand). VCF-style: chr4-127921643-T-C. GRCh37 (hg19) VCF-style: chr4-128842798-T-C.
Other names: c.1030A>G, p.Thr344Ala (NM_001363520.3); c.916A>G, p.Thr306Ala (NM_001363521.3); c.1096A>G, p.Thr366Ala (NM_001371590.2); c.1231A>G, p.Thr411Ala (NM_001371591.2, NM_152778.4); c.1237A>G, p.Thr413Ala (NM_001371592.2); c.1117A>G, p.Thr373Ala (NM_001371593.2); c.1084A>G, p.Thr362Ala (NM_001371594.2); c.949A>G, p.Thr317Ala (NM_001371595.1); and 2 more; short protein forms T306A, T344A, T373A, T317A, T366A, T411A, T362A, T413A.
Identifiers: ClinVar variation 1434478 (VCV001434478.8), dbSNP rs755570201, ClinGen allele CA3077263.

ClinVar aggregate classification (germline): Uncertain significance (1 of 4 stars; one submission).

Conditions:
Neuronal ceroid lipofuscinosis 7 (CLN7). Also called: MFSD8-Related Neuronal Ceroid-Lipofuscinosis. Identifiers: Orphanet 168491, Orphanet 228366, MedGen C1838571, MONDO:0012588, OMIM 610951.

Allele frequency attached by ClinVar (database versions not stated): gnomAD exomes below 0.00001; ExAC 0.00001.
gnomAD v4.1: 2 of 1,614,088 alleles (0.00012%); highest among the groups gnomAD compares: South Asian, 0.0011%; no homozygotes.

Submission:

Labcorp Genetics (formerly Invitae), Labcorp
Classification: Uncertain significance for Neuronal ceroid lipofuscinosis 7. Last evaluated: 2024-11-04. Review status: criteria provided, single submitter. Criteria: Invitae Variant Classification Sherloc (09022015). Collection method: clinical testing. Allele origin: germline.
Comment: This sequence change replaces threonine, which is neutral and polar, with alanine, which is neutral and non-polar, at codon 411 of the MFSD8 protein (p.Thr411Ala). This variant is present in population databases (rs755570201, gnomAD 0.003%). This variant has not been reported in the literature in individuals affected with MFSD8-related conditions. ClinVar contains an entry for this variant (Variation ID: 1434478). Invitae Evidence Modeling of protein sequence and biophysical properties (such as structural, functional, and spatial information, amino acid conservation, physicochemical variation, residue mobility, and thermodynamic stability) has been performed for this missense variant. However, the output from this modeling did not meet the statistical confidence thresholds required to predict the impact of this variant on MFSD8 protein function. In summary, the available evidence is currently insufficient to determine the role of this variant in disease. Therefore, it has been classified as a Variant of Uncertain Significance.